The following is an entry in ClinVar:

ClinVar aggregate classification (germline): Uncertain significance (1 of 4 stars; one submission).

Conditions:
Familial adenomatous polyposis 1 (FAP1). Also called: POLYPOSIS, ADENOMATOUS INTESTINAL; FAMILIAL ADENOMATOUS POLYPOSIS 1, ATTENUATED. Identifiers: MedGen C2713442, MONDO:0021056, OMIM 175100. Disease mechanism: loss of function.

Submission:

Labcorp Genetics (formerly Invitae), Labcorp
Classification: Uncertain significance for Familial adenomatous polyposis 1. Last evaluated: 2022-04-21. Review status: criteria provided, single submitter. Criteria: Invitae Variant Classification Sherloc (09022015). Collection method: clinical testing. Allele origin: germline.
Comment: This variant has not been reported in the literature in individuals affected with APC-related conditions. This variant is not present in population databases (gnomAD no frequency). This sequence change replaces histidine, which is basic and polar, with glutamine, which is neutral and polar, at codon 715 of the APC protein (p.His715Gln). In summary, the available evidence is currently insufficient to determine the role of this variant in disease. Therefore, it has been classified as a Variant of Uncertain Significance. Algorithms developed to predict the effect of missense changes on protein structure and function are either unavailable or do not agree on the potential impact of this missense change (SIFT: "Deleterious"; PolyPhen-2: "Probably Damaging"; Align-GVGD: "Class C15").

NM_000038.6(APC):c.2145C>G (p.His715Gln)

Gene: APC (APC regulator of Wnt signaling pathway; plus strand). Cytogenetic location: 5q22.2.
Variant type: single nucleotide variant.
Coding change: c.2145C>G on transcript NM_000038.6 (MANE Select); coding-DNA position 2145, C replaced by G.
Protein change: p.His715Gln; replaces histidine 715 with glutamine.
Molecular consequence: missense variant.
Genome position (GRCh38, 1-based): chr5:112,837,739, C>G. VCF-style: chr5-112837739-C-G. GRCh37 (hg19) VCF-style: chr5-112173436-C-G.
Other names: c.2145C>G, p.His715Gln (NM_001127510.3, NM_001354895.2, NM_001407450.1); c.2091C>G, p.His697Gln (NM_001127511.3); c.2199C>G, p.His733Gln (NM_001354896.2, NM_001407447.1, NM_001407448.1 and 1 more transcripts); c.2175C>G, p.His725Gln (NM_001354897.2); c.2070C>G, p.His690Gln (NM_001354898.2); c.2061C>G, p.His687Gln (NM_001354899.2); c.2022C>G, p.His674Gln (NM_001354900.2); c.1968C>G, p.His656Gln (NM_001354901.2, NM_001407453.1); and 11 more; short protein forms H743Q, H656Q, H705Q, H586Q, H614Q, H690Q, H331Q, H432Q.
Identifiers: ClinVar variation 2128751 (VCV002128751.4), dbSNP rs1060504877, ClinGen allele CA16026024.
Genomic context (GRCh38, chr5:112,837,739, plus strand): 5'-GGAAGCATTATGGGACATGGGGGCAGTTAGCATGCTCAAGAACCTCATTCATTCAAAGCA[C>G]AAAATGATTGCTATGGGAAGTGCTGCAGCTTTAAGGAATCTCATGGCAAATAGGCCTGCG-3'
Protein context (NP_000029.2, residues 705-725): SMLKNLIHSK[His715Gln]KMIAMGSAAA